The following is an entry in ClinVar:

ClinVar aggregate classification (germline): Likely benign. Review status: criteria provided, multiple submitters, no conflicts (2 of 4 stars). 3 submissions from 3 submitters: Likely benign (2). 1 of the submissions does not count toward it. Last evaluated 2025-07-23.

Conditions:
ADAM17-related disorder. Also called: ADAM17-related condition.
Inflammatory skin and bowel disease, neonatal, 1. Identifiers: Orphanet 294023, MedGen C3280501, MONDO:0013693, OMIM 614328.

Allele frequency attached by ClinVar (database versions not stated): gnomAD exomes below 0.00001 and 0.00001; ExAC 0.00001.
gnomAD v4.1: 6 of 1,613,908 alleles (0.00037%); highest among the groups gnomAD compares: Non-Finnish European, 0.00017%; no homozygotes.

Submissions (3):

Labcorp Genetics (formerly Invitae), Labcorp
Classification: Likely benign for Inflammatory skin and bowel disease, neonatal, 1. Last evaluated: 2025-07-23. Review status: criteria provided, single submitter. Criteria: Invitae Variant Classification Sherloc (09022015). Collection method: clinical testing. Allele origin: germline.

Blueprint Genetics
Classification: Likely benign. Last evaluated: 2022-05-27. Review status: criteria provided, single submitter. Criteria: ACMG Guidelines, 2015. Collection method: clinical testing. Allele origin: germline.

PreventionGenetics, part of Exact Sciences
Classification: Likely benign for ADAM17-related condition. Last evaluated: 2021-03-22. Review status: no assertion criteria provided. Collection method: clinical testing. Allele origin: germline. Not counted in ClinVar's aggregate classification.
Comment: This variant is classified as likely benign based on ACMG/AMP sequence variant interpretation guidelines (Richards et al. 2015 PMID: 25741868, with internal and published modifications).

NM_003183.6(ADAM17):c.654A>G (p.Pro218=)

Gene: ADAM17 (ADAM metallopeptidase domain 17; minus strand). Cytogenetic location: 2p25.1.
Variant type: single nucleotide variant.
Coding change: c.654A>G on transcript NM_003183.6 (MANE Select); coding-DNA position 654, A replaced by G.
Protein change: p.Pro218=; no amino-acid change (proline 218 retained).
Molecular consequence: synonymous variant. On other transcripts: 5 prime UTR variant (2).
Genome position (GRCh38, 1-based): chr2:9,526,210, T>C on the plus strand (A>G on the coding strand, the complement: ADAM17 is on the minus strand). VCF-style: chr2-9526210-T-C. GRCh37 (hg19) VCF-style: chr2-9666339-T-C.
Other names: c.654A>G (NM_003183.5); c.-7A>G (NM_001382777.1); c.-249A>G (NM_001382778.1).
Identifiers: ClinVar variation 1651005 (VCV001651005.11), dbSNP rs755105372, ClinGen allele CA1523703.